The following is an entry in ClinVar:

NM_014989.7(RIMS1):c.3430C>T (p.Arg1144Ter)

Gene: RIMS1 (regulating synaptic membrane exocytosis 1; plus strand). Cytogenetic location: 6q13.
Variant type: single nucleotide variant.
Coding change: c.3430C>T on transcript NM_014989.7 (MANE Select); coding-DNA position 3430, C replaced by T.
Protein change: p.Arg1144Ter; replaces arginine 1144 with a stop codon.
Molecular consequence: nonsense. On other transcripts: intron variant (58).
Genome position (GRCh38, 1-based): chr6:72,274,380, C>T. VCF-style: chr6-72274380-C-T. GRCh37 (hg19) VCF-style: chr6-72984083-C-T.
Other names: c.1657C>T, p.Arg553Ter (NM_001350415.2, NM_001350445.2); c.1660C>T, p.Arg554Ter (NM_001350433.2); c.1594C>T, p.Arg532Ter (NM_001350435.2); c.1588C>T, p.Arg530Ter (NM_001350437.2); c.1559+8331C>T (NM_001350428.2, NM_001350459.2, NM_001350424.2 and 1 more transcripts); c.1556+8331C>T (NM_001350430.2, NM_001350421.2, NM_001350450.2); c.1706+8331C>T (NM_001350458.2); c.1628+8331C>T (NM_001350446.2, NM_001350442.2, NM_001350416.2 and 7 more transcripts); and 20 more; short protein forms R1144*, R530*, R553*, R554*, R532*.
Identifiers: ClinVar variation 872603 (VCV000872603.53), dbSNP rs202076893, ClinGen allele CA3886244.

ClinVar aggregate classification (germline): Conflicting classifications of pathogenicity. Review status: criteria provided, conflicting classifications (1 of 4 stars). 5 submissions from 5 submitters: Uncertain significance (4); Likely benign (1). Last evaluated 2025-12-21.

Conditions:
Retinal dystrophy. Also called: Inherited retinal dystrophy. Identifiers: Orphanet 71862, MedGen C0854723, MeSH D058499, MONDO:0019118, HP:0000556.
Cone-rod dystrophy 7 (CORD7). Identifiers: Orphanet 1872, MedGen C1863634, MONDO:0011355, OMIM 603649.

Allele frequency attached by ClinVar (database versions not stated): ExAC 0.00015; ESP Exome Variant Server 0.00017; gnomAD exomes 0.00017; TOPMed 0.00017; 1000 Genomes Project 0.00020; gnomAD 0.00024; 1000 Genomes Project 30x 0.00031.
gnomAD v4.1: 526 of 1,612,690 alleles (0.033%); highest among the groups gnomAD compares: Non-Finnish European, 0.039%; no homozygotes.

Submissions (5):

Labcorp Genetics (formerly Invitae), Labcorp
Classification: Uncertain significance. Last evaluated: 2025-12-21. Review status: criteria provided, single submitter. Criteria: Invitae Variant Classification Sherloc (09022015). Collection method: clinical testing. Allele origin: germline.
Comment: This sequence change creates a premature translational stop signal (p.Arg1144*) in the RIMS1 gene. It is expected to result in an absent or disrupted protein product. However, the current clinical and genetic evidence is not sufficient to establish whether loss-of-function variants in RIMS1 cause disease. This variant is present in population databases (rs202076893, gnomAD 0.07%), and has an allele count higher than expected for a pathogenic variant. This premature translational stop signal has been observed in individual(s) with retinitis pigmentosa (PMID: 23591405). It has also been observed to segregate with disease in related individuals. ClinVar contains an entry for this variant (Variation ID: 872603). In summary, the available evidence is currently insufficient to determine the role of this variant in disease. Therefore, it has been classified as a Variant of Uncertain Significance.

CeGaT Center for Human Genetics Tuebingen
Classification: Uncertain significance. Last evaluated: 2024-12-01. Review status: criteria provided, single submitter. Criteria: CeGaT Center For Human Genetics Tuebingen Variant Classification Criteria Version 2. Collection method: clinical testing. Allele origin: germline. Affected: yes. Observed: 2 variant alleles.

Blueprint Genetics
Classification: Uncertain significance. Last evaluated: 2023-11-02. Review status: criteria provided, single submitter. Criteria: ACMG Guidelines, 2015. Collection method: clinical testing. Allele origin: germline.

Institute of Human Genetics, Univ. Regensburg, Univ. Regensburg
Classification: Uncertain significance for Retinal dystrophy. Last evaluated: 2022-01-01. Review status: criteria provided, single submitter. Criteria: ACMG Guidelines, 2015. Collection method: clinical testing. Allele origin: germline. Affected: yes.

Illumina Laboratory Services, Illumina
Classification: Likely benign for Cone-rod dystrophy 7. Last evaluated: 2018-01-13. Review status: criteria provided, single submitter. Criteria: ICSL Variant Classification Criteria 13 December 2019. Collection method: clinical testing. Allele origin: germline.
Comment: This variant was observed in the ICSL laboratory as part of a predisposition screen in an ostensibly healthy population. It had not been previously curated by ICSL or reported in the Human Gene Mutation Database (HGMD: prior to June 1st, 2018), and was therefore a candidate for classification through an automated scoring system. Utilizing variant allele frequency, disease prevalence and penetrance estimates, and inheritance mode, an automated score was calculated to assess if this variant is too frequent to cause the disease. Based on the score and internal cut-off values, a variant classified as likely benign is not then subjected to further curation. The score for this variant resulted in a classification of likely benign for this disease.

Literature cited by the submitters: PubMed 23591405 (cited by Labcorp Genetics (formerly Invitae), Labcorp and Institute of Human Genetics, Univ. Regensburg, Univ. Regensburg); PubMed 25961944 (cited by Institute of Human Genetics, Univ. Regensburg, Univ. Regensburg); PubMed 30910914 (cited by Institute of Human Genetics, Univ. Regensburg, Univ. Regensburg).